The following is an entry in ClinVar:

NM_019892.6(INPP5E):c.183G>A (p.Glu61=)

Gene: INPP5E (inositol polyphosphate-5-phosphatase E; minus strand). Cytogenetic location: 9q34.3.
Variant type: single nucleotide variant.
Coding change: c.183G>A on transcript NM_019892.6 (MANE Select); coding-DNA position 183, G replaced by A.
Protein change: p.Glu61=; no amino-acid change (glutamic acid 61 retained).
Molecular consequence: synonymous variant.
Genome position (GRCh38, 1-based): chr9:136,439,237, C>T on the plus strand (G>A on the coding strand, the complement: INPP5E is on the minus strand). VCF-style: chr9-136439237-C-T. GRCh37 (hg19) VCF-style: chr9-139333689-C-T.
Other names: c.183G>A, p.Glu61= (NM_001318502.2); c.183G>A (NM_019892.5).
Identifiers: ClinVar variation 1601124 (VCV001601124.11), dbSNP rs570404672, ClinGen allele CA5337206.

ClinVar aggregate classification (germline): Benign/Likely benign. Review status: criteria provided, multiple submitters, no conflicts (2 of 4 stars). 3 submissions from 3 submitters: Benign (1); Likely benign (1). 1 of the submissions does not count toward it. Last evaluated 2026-01-18.

Conditions:
Joubert syndrome. Also called: Familial aplasia of the vermis; JOUBERT-BOLTSHAUSER SYNDROME. Identifiers: Orphanet 475, MedGen C5979921, MONDO:0018772.
INPP5E-related disorder. Also called: INPP5E-related condition.

Allele frequency attached by ClinVar (database versions not stated): gnomAD exomes 0.00002 and 0.00011; ExAC 0.00023; gnomAD 0.00027 and 0.00029; TOPMed 0.00038; 1000 Genomes Project 30x 0.00094; 1000 Genomes Project 0.00100.

Submissions (3):

Labcorp Genetics (formerly Invitae), Labcorp
Classification: Benign for Joubert syndrome. Last evaluated: 2026-01-18. Review status: criteria provided, single submitter. Criteria: Invitae Variant Classification Sherloc (09022015). Collection method: clinical testing. Allele origin: germline.

Blueprint Genetics
Classification: Likely benign. Last evaluated: 2022-09-07. Review status: criteria provided, single submitter. Criteria: ACMG Guidelines, 2015. Collection method: clinical testing. Allele origin: germline.

PreventionGenetics, part of Exact Sciences
Classification: Likely benign for INPP5E-related condition. Last evaluated: 2022-02-03. Review status: no assertion criteria provided. Collection method: clinical testing. Allele origin: germline. Not counted in ClinVar's aggregate classification.
Comment: This variant is classified as likely benign based on ACMG/AMP sequence variant interpretation guidelines (Richards et al. 2015 PMID: 25741868, with internal and published modifications).